The following is an entry in ClinVar:

ClinVar aggregate classification (germline): Likely pathogenic (1 of 4 stars; one submission).

Conditions:
Alpha-actinopathy. Also called: Actinopathy. Identifiers: MedGen CN295279, MONDO:0100084.

Allele frequency attached by ClinVar (database versions not stated): gnomAD exomes below 0.00001.

Submission:

Illumina Laboratory Services, Illumina
Classification: Likely pathogenic for Alpha-actinopathy. Last evaluated: 2023-08-10. Review status: criteria provided, single submitter. Criteria: ICSLVariantClassificationCriteria RUGD 01 April 2020. Collection method: clinical testing. Allele origin: unknown.
Comment: The ACTA1 c.936del (p.Asp313ThrfsTer15) variant causes a shift in the protein reading frame that is predicted to result in premature termination of the protein. Loss of normal protein function through either protein truncation or nonsense-mediated mRNA decay is expected. To our knowledge, this variant has not been reported in the peer-reviewed literature. This variant is not observed in version 2.1.1 or version 3.1.2 of the Genome Aggregation Database. Based on the available evidence, the c.936del p.(Asp313ThrfsTer15) variant is classified as likely pathogenic for alpha-actinopathy.

NM_001100.4(ACTA1):c.936del (p.Asp313fs)

Gene: ACTA1 (actin alpha 1, skeletal muscle; minus strand). Cytogenetic location: 1q42.13.
Variant type: Deletion.
Coding change: c.936del on transcript NM_001100.4 (MANE Select); coding-DNA position 936, one base deleted (T; older notation c.936delT).
Protein change: p.Asp313fs; shifts the reading frame from aspartic acid 313.
Molecular consequence: frameshift variant.
Genome position (GRCh38, 1-based): chr1:229,431,775, A deleted on the plus strand (T on the coding strand, the reverse complement: ACTA1 is on the minus strand). VCF-style (leftmost placement, unchanged base first): chr1-229431774-CA-C. GRCh37 (hg19) VCF-style: chr1-229567521-CA-C.
Other names: short protein forms D313fs.
Identifiers: ClinVar variation 2627920 (VCV002627920.1), dbSNP rs2527436130, ClinGen allele CA2574151193.